The following is an entry in ClinVar:

ClinVar aggregate classification (germline): Uncertain significance (1 of 4 stars; one submission).

gnomAD v4.1: 28 of 1,483,976 alleles (0.0019%); highest among the groups gnomAD compares: Non-Finnish European, 0.0024%; no homozygotes.

Submission:

Labcorp Genetics (formerly Invitae), Labcorp
Classification: Uncertain significance. Last evaluated: 2024-05-20. Review status: criteria provided, single submitter. Criteria: Invitae Variant Classification Sherloc (09022015). Collection method: clinical testing. Allele origin: germline.
Comment: This sequence change replaces glutamic acid, which is acidic and polar, with valine, which is neutral and non-polar, at codon 376 of the AEBP1 protein (p.Glu376Val). The frequency data for this variant in the population databases is considered unreliable, as metrics indicate poor data quality at this position in the gnomAD database. This variant has not been reported in the literature in individuals affected with AEBP1-related conditions. ClinVar contains an entry for this variant (Variation ID: 2150690). An algorithm developed to predict the effect of missense changes on protein structure and function (PolyPhen-2) suggests that this variant is likely to be disruptive. In summary, the available evidence is currently insufficient to determine the role of this variant in disease. Therefore, it has been classified as a Variant of Uncertain Significance.

NM_001129.5(AEBP1):c.1127A>T (p.Glu376Val)

Gene: AEBP1 (AE binding protein 1; plus strand). Cytogenetic location: 7p13.
Variant type: single nucleotide variant.
Coding change: c.1127A>T on transcript NM_001129.5 (MANE Select); coding-DNA position 1127, A replaced by T.
Protein change: p.Glu376Val; replaces glutamic acid 376 with valine.
Molecular consequence: missense variant.
Genome position (GRCh38, 1-based): chr7:44,109,318, A>T. VCF-style: chr7-44109318-A-T. GRCh37 (hg19) VCF-style: chr7-44148917-A-T.
Other names: short protein forms E376V.
Identifiers: ClinVar variation 2150690 (VCV002150690.2), dbSNP rs1267526011, ClinGen allele CA367361126.